The following is an entry in ClinVar:

ClinVar aggregate classification (germline): Benign. Review status: criteria provided, single submitter (1 of 4 stars). 2 submissions from 2 submitters: Benign (1). 1 of the submissions does not count toward it. Last evaluated 2026-08-01.

Conditions:
KCNQ1-related disorder. Also called: KCNQ1-related disorders; KCNQ1-related condition. Identifiers: MedGen CN239322.

Allele frequency attached by ClinVar (database versions not stated): 1000 Genomes Project 0.00020; 1000 Genomes Project 30x 0.00031; TOPMed 0.00106; gnomAD 0.00115; gnomAD exomes 0.00135.
gnomAD v4.1: 500 of 398,764 alleles (0.13%); highest among the groups gnomAD compares: Non-Finnish European, 0.19%; 1 homozygote.

Submissions (2):

CeGaT Center for Human Genetics Tuebingen
Classification: Benign. Last evaluated: 2026-08-01. Review status: criteria provided, single submitter. Criteria: CeGaT Center For Human Genetics Tuebingen Variant Classification Criteria Version 2. Collection method: clinical testing. Allele origin: germline. Affected: yes. Observed: 10 variant alleles.
Comment: KCNQ1OT1: BS1, BS2

PreventionGenetics, part of Exact Sciences
Classification: Likely benign for KCNQ1-related condition. Last evaluated: 2020-04-20. Review status: no assertion criteria provided. Collection method: clinical testing. Allele origin: germline. Not counted in ClinVar's aggregate classification.
Comment: This variant is classified as likely benign based on ACMG/AMP sequence variant interpretation guidelines (Richards et al. 2015 PMID: 25741868, with internal and published modifications).

NM_000218.3(KCNQ1):c.1514+973G>C

Genes: KCNQ1 (potassium voltage-gated channel subfamily Q member 1; plus strand), KCNQ1OT1 (KCNQ1 opposite strand/antisense transcript 1; minus strand). Cytogenetic location: 11p15.5.
Variant type: single nucleotide variant.
Coding change: c.1514+973G>C on transcript NM_000218.3 (MANE Select); 973 bases into the intron after coding-DNA position 1514, G replaced by C.
Molecular consequence: intron variant. On other transcripts: non-coding transcript variant (1).
Genome position (GRCh38, 1-based): chr11:2,663,054, G>C. VCF-style: chr11-2663054-G-C. GRCh37 (hg19) VCF-style: chr11-2684284-G-C.
Other names: c.1244+973G>C (NM_001406837.1); c.1418+973G>C (NM_001406836.1); c.974+973G>C (NM_001406838.1); c.1133+973G>C (NM_181798.2); c.1514+973G>C (NM_000218.2).
Identifiers: ClinVar variation 2641451 (VCV002641451.25), dbSNP rs564822980, ClinGen allele CA216172087.